The following is an entry in ClinVar:

ClinVar aggregate classification (germline): Uncertain significance. Review status: criteria provided, multiple submitters, no conflicts (2 of 4 stars). 2 submissions from 2 submitters: Uncertain significance (2). Last evaluated 2023-11-06.

Allele frequency attached by ClinVar (database versions not stated): gnomAD 0.00001.
gnomAD v4.1: 2 of 1,610,264 alleles (0.00012%); highest among the groups gnomAD compares: African/African-American, 0.0027%; no homozygotes.

Submissions (2):

Labcorp Genetics (formerly Invitae), Labcorp
Classification: Uncertain significance. Last evaluated: 2023-11-06. Review status: criteria provided, single submitter. Criteria: Invitae Variant Classification Sherloc (09022015). Collection method: clinical testing. Allele origin: germline.
Comment: This sequence change replaces lysine, which is basic and polar, with glutamine, which is neutral and polar, at codon 527 of the OPA1 protein (p.Lys527Gln). This variant is not present in population databases (gnomAD no frequency). This variant has not been reported in the literature in individuals affected with OPA1-related conditions. ClinVar contains an entry for this variant (Variation ID: 618258). Advanced modeling of protein sequence and biophysical properties (such as structural, functional, and spatial information, amino acid conservation, physicochemical variation, residue mobility, and thermodynamic stability) performed at Invitae indicates that this missense variant is not expected to disrupt OPA1 protein function with a negative predictive value of 80%. In summary, the available evidence is currently insufficient to determine the role of this variant in disease. Therefore, it has been classified as a Variant of Uncertain Significance.

ARUP Laboratories, Molecular Genetics and Genomics, ARUP Laboratories
Classification: Uncertain significance. Last evaluated: 2018-02-08. Review status: criteria provided, single submitter. Criteria: ARUP Molecular Germline Variant Investigation Process. Collection method: clinical testing. Allele origin: germline.
Comment: The OPA1: c.1744A>C; p.Lys582Gln variant (rs766935532) has not been reported in the medical literature, is not listed in gene-specific variant databases, nor has it been previously identified in our laboratory. It is It is also absent from population databases such as 1000 Genomes, the NHLBI GO Exome Sequencing Project (ESP), and the Genome Aggregation Database (gnomAD) browser. The lysine at codon 582 is weakly conserved considering 12 species (Alamut software v2.10), and computational analyses suggest this variant does not have a significant effect on OPA1 protein structure/function (SIFT: tolerated and PolyPhen2: benign). However, based on the available information, the clinical significance of the p.Lys582Gln variant cannot be determined with certainty.

NM_130837.3(OPA1):c.1744A>C (p.Lys582Gln)

Gene: OPA1 (OPA1 mitochondrial dynamin like GTPase; plus strand). Cytogenetic location: 3q29.
Variant type: single nucleotide variant.
Coding change: c.1744A>C on transcript NM_130837.3 (MANE Select); coding-DNA position 1744, A replaced by C.
Protein change: p.Lys582Gln; replaces lysine 582 with glutamine.
Molecular consequence: missense variant.
Genome position (GRCh38, 1-based): chr3:193,645,790, A>C. VCF-style: chr3-193645790-A-C. GRCh37 (hg19) VCF-style: chr3-193363579-A-C.
Other names: c.1210A>C, p.Lys404Gln (NM_001354663.2); c.1207A>C, p.Lys403Gln (NM_001354664.2); c.1579A>C, p.Lys527Gln (NM_015560.3); c.1471A>C, p.Lys491Gln (NM_130831.3); c.1525A>C, p.Lys509Gln (NM_130832.3); c.1582A>C, p.Lys528Gln (NM_130833.3); c.1633A>C, p.Lys545Gln (NM_130834.3); c.1636A>C, p.Lys546Gln (NM_130835.3); and 1 more; short protein forms K527Q, K582Q, K545Q, K404Q, K491Q, K546Q, K564Q, K403Q.
Identifiers: ClinVar variation 618258 (VCV000618258.13), dbSNP rs766935532, ClinGen allele CA90534685.
Genomic context (GRCh38, chr3:193,645,790, plus strand): 5'-AACAGCTCTGAAAGCATTGAAGCTATAAGAGAATATGAAGAAGAGTTTTTTCAGAATTCA[A>C]AGCTCCTAAAGTAGGTATCTTGTTAAAACATTTAAACATTTTACAGTAAGAGAGTAGCTT-3'
Protein context (NP_570850.2, residues 572-592): EYEEEFFQNS[Lys582Gln]LLKTSMLKAH